The following is an entry in ClinVar:

NM_000051.4(ATM):c.3154G>C (p.Ala1052Pro)

Gene: ATM (ATM serine/threonine kinase; plus strand). Cytogenetic location: 11q22.3.
Variant type: single nucleotide variant.
Coding change: c.3154G>C on transcript NM_000051.4 (MANE Select); coding-DNA position 3154, G replaced by C.
Protein change: p.Ala1052Pro; replaces alanine 1052 with proline.
Molecular consequence: missense variant.
Genome position (GRCh38, 1-based): chr11:108,272,722, G>C. VCF-style: chr11-108272722-G-C. GRCh37 (hg19) VCF-style: chr11-108143449-G-C.
Other names: c.3154G>C, p.Ala1052Pro (NM_001351834.2); c.3154G>C (NM_000051.3); short protein forms A1052P.
Identifiers: ClinVar variation 1463183 (VCV001463183.9), dbSNP rs1064793036, ClinGen allele CA382515476.
Genomic context (GRCh38, chr11:108,272,722, plus strand): 5'-TTGTTTGTTAATGAGTAATTTTTCTCTATTTCATATTTAACCACAGTTCTTTTCCCGTAG[G>C]CTGATCCTTATTCAAAATGGGCCATTCTTAATGTAATGGGAAAAGACTTTCCTGTAAATG-3'
Protein context (NP_000042.3, residues 1042-1062): LVNCLKTLLE[Ala1052Pro]DPYSKWAILN

ClinVar aggregate classification (germline): Uncertain significance. Review status: criteria provided, multiple submitters, no conflicts (2 of 4 stars). 2 submissions from 2 submitters: Uncertain significance (2). Last evaluated 2024-06-03.

Conditions:
Ataxia-telangiectasia syndrome (AT). Also called: Ataxia-telangiectasia, complementation group D; AT, COMPLEMENTATION GROUP C; Cerebello-oculocutaneous telangiectasia; Immunodeficiency with ataxia telangiectasia; Ataxia-telangiectasia, complementation group E; LOUIS-BAR SYNDROME. Identifiers: Orphanet 100, MedGen C0004135, MONDO:0008840, OMIM 208900.
Hereditary cancer-predisposing syndrome. Also called: Neoplastic Syndromes, Hereditary; Hereditary Cancer Syndrome; Tumor predisposition; Hereditary neoplastic syndrome. Identifiers: Orphanet 140162, MedGen C0027672, MeSH D009386, MONDO:0015356.

Submissions (2):

Labcorp Genetics (formerly Invitae), Labcorp
Classification: Uncertain significance for Ataxia-telangiectasia syndrome. Last evaluated: 2024-06-03. Review status: criteria provided, single submitter. Criteria: Invitae Variant Classification Sherloc (09022015). Collection method: clinical testing. Allele origin: germline.
Comment: This sequence change replaces alanine, which is neutral and non-polar, with proline, which is neutral and non-polar, at codon 1052 of the ATM protein (p.Ala1052Pro). This variant is not present in population databases (gnomAD no frequency). This variant has not been reported in the literature in individuals affected with ATM-related conditions. ClinVar contains an entry for this variant (Variation ID: 1463183). An algorithm developed to predict the effect of missense changes on protein structure and function (PolyPhen-2) suggests that this variant is likely to be disruptive. Algorithms developed to predict the effect of sequence changes on RNA splicing suggest that this variant may create or strengthen a splice site. In summary, the available evidence is currently insufficient to determine the role of this variant in disease. Therefore, it has been classified as a Variant of Uncertain Significance.

Ambry Genetics
Classification: Uncertain significance for Hereditary cancer-predisposing syndrome. Last evaluated: 2023-11-16. Review status: criteria provided, single submitter. Criteria: Ambry Variant Classification Scheme 2023. Collection method: clinical testing. Allele origin: germline.
Comment: The p.A1052P variant (also known as c.3154G>C) is located in coding exon 21 of the ATM gene. The alanine at codon 1052 is replaced by proline, an amino acid with highly similar properties. This change occurs in the first base pair of coding exon 21. This amino acid position is conserved. In addition, the in silico prediction for this alteration is inconclusive. Since supporting evidence is limited at this time, the clinical significance of this alteration remains unclear.